The following is an entry in ClinVar:

ClinVar aggregate classification (germline): Uncertain significance (1 of 4 stars; one submission).

Conditions:
CDKL5-related disorder.

Submission:

PreventionGenetics, part of Exact Sciences
Classification: Uncertain significance for CDKL5-related condition. Last evaluated: 2025-11-25. Review status: criteria provided, single submitter. Criteria: ACMG Guidelines, 2015. Collection method: clinical testing. Allele origin: germline.
Comment: The CDKL5 c.1849C>T variant is predicted to result in the amino acid substitution p.Arg617Cys. To our knowledge, this variant has not been reported in the literature or in a large population database (gnomAD), indicating this variant is rare. At this time, the clinical significance of this variant is uncertain due to the absence of conclusive functional and genetic evidence.

NM_001323289.2(CDKL5):c.1849C>T (p.Arg617Cys)

Gene: CDKL5 (cyclin dependent kinase like 5; plus strand). Cytogenetic location: Xp22.13.
Variant type: single nucleotide variant.
Coding change: c.1849C>T on transcript NM_001323289.2 (MANE Select); coding-DNA position 1849, C replaced by T.
Protein change: p.Arg617Cys; replaces arginine 617 with cysteine.
Molecular consequence: missense variant.
Genome position (GRCh38, 1-based): chrX:18,604,773, C>T. VCF-style: chrX-18604773-C-T. GRCh37 (hg19) VCF-style: chrX-18622893-C-T.
Other names: c.1849C>T, p.Arg617Cys (NM_001037343.2, NM_003159.3); short protein forms R617C.
Identifiers: ClinVar variation 3348824 (VCV003348824.2).